The following is an entry in ClinVar:

NM_016026.4(RDH11):c.267A>T (p.Thr89=)

Genes: GPHN (gephyrin; plus strand), RDH11 (retinol dehydrogenase 11; minus strand). Cytogenetic location: 14q24.1.
Variant type: single nucleotide variant.
Coding change: c.267A>T on transcript NM_016026.4 (MANE Select); coding-DNA position 267, A replaced by T.
Protein change: p.Thr89=; no amino-acid change (threonine 89 retained).
Molecular consequence: synonymous variant.
Genome position (GRCh38, 1-based): chr14:67,692,520, T>A on the plus strand (A>T on the coding strand, the complement: RDH11 is on the minus strand). VCF-style: chr14-67692520-T-A. GRCh37 (hg19) VCF-style: chr14-68159237-T-A.
Other names: c.267A>T, p.Thr89= (NM_001252650.2); c.267A>T (NM_016026.3).
Identifiers: ClinVar variation 1090270 (VCV001090270.12), dbSNP rs757100842, ClinGen allele CA7238448.

ClinVar aggregate classification (germline): Likely benign. Review status: criteria provided, multiple submitters, no conflicts (2 of 4 stars). 3 submissions from 3 submitters: Likely benign (2). 1 of the submissions does not count toward it. Last evaluated 2025-12-24.

Conditions:
RDH11-related disorder. Also called: RDH11-related condition.

Allele frequency attached by ClinVar (database versions not stated): gnomAD 0.00003; TOPMed 0.00006; ExAC 0.00017; gnomAD exomes 0.00020.
gnomAD v4.1: 61 of 1,613,426 alleles (0.0038%); highest among the groups gnomAD compares: Admixed American, 0.1%; no homozygotes.

Submissions (3):

Labcorp Genetics (formerly Invitae), Labcorp
Classification: Likely benign. Last evaluated: 2025-12-24. Review status: criteria provided, single submitter. Criteria: Invitae Variant Classification Sherloc (09022015). Collection method: clinical testing. Allele origin: germline.

Blueprint Genetics
Classification: Likely benign. Last evaluated: 2022-02-15. Review status: criteria provided, single submitter. Criteria: ACMG Guidelines, 2015. Collection method: clinical testing. Allele origin: germline.

PreventionGenetics, part of Exact Sciences
Classification: Likely benign for RDH11-related condition. Last evaluated: 2024-06-05. Review status: no assertion criteria provided. Collection method: clinical testing. Allele origin: germline. Not counted in ClinVar's aggregate classification.
Comment: This variant is classified as likely benign based on ACMG/AMP sequence variant interpretation guidelines (Richards et al. 2015 PMID: 25741868, with internal and published modifications).